The following is an entry in ClinVar:

NM_006295.3(VARS1):c.646C>G (p.Leu216Val)

Genes: VARS1 (valyl-tRNA synthetase 1; minus strand), LOC126859651 (CDK7 strongly-dependent group 2 enhancer GRCh37_chr6:31759783-31760982; plus strand). Cytogenetic location: 6p21.33.
Variant type: single nucleotide variant.
Coding change: c.646C>G on transcript NM_006295.3 (MANE Select); coding-DNA position 646, C replaced by G.
Protein change: p.Leu216Val; replaces leucine 216 with valine.
Molecular consequence: missense variant.
Genome position (GRCh38, 1-based): chr6:31,792,772, G>C on the plus strand (C>G on the coding strand, the complement: VARS1 is on the minus strand). VCF-style: chr6-31792772-G-C. GRCh37 (hg19) VCF-style: chr6-31760549-G-C.
Other names: short protein forms L216V.
Identifiers: ClinVar variation 3731467 (VCV003731467.1).

ClinVar aggregate classification (germline): Uncertain significance (1 of 4 stars; one submission).

Conditions:
Neurodevelopmental disorder with microcephaly, seizures, and cortical atrophy. Identifiers: MedGen C4540493, MONDO:0060621, OMIM 617802.

gnomAD v4.1: 2 of 1,614,188 alleles (0.00012%); highest among the groups gnomAD compares: South Asian, 0.0022%; no homozygotes.

Submission:

Neuberg Centre For Genomic Medicine, NCGM
Classification: Uncertain significance for Neurodevelopmental disorder with microcephaly, seizures, and cortical atrophy. Review status: criteria provided, single submitter. Criteria: ACMG Guidelines, 2015. Collection method: clinical testing. Allele origin: germline. Inheritance: Autosomal recessive inheritance. Affected: yes.
Comment: The observed missense variant c.646C>G(p.Leu216Val) in the VARS1 gene has not been reported previously as a pathogenic variant nor as a benign variant, to our knowledge. This variant is absent in the gnomAD Exomes. The amino acid Leu at position 216 is changed to a Val changing protein sequence and it might alter its composition and physico-chemical properties. Multiple lines of computational evidence (Polyphen - Benign, SIFT - Tolerated and MutationTaster - Polymorphism) predict no damaging effect on protein structure and function for this variant. The residue is conserved by GERP++ and PhyloP across 100 vertebrates. For these reasons, this variant has been classified as Uncertain Significance.